The following is an entry in ClinVar:

NM_003331.5(TYK2):c.2603G>A (p.Arg868Gln)

Gene: TYK2 (tyrosine kinase 2; minus strand). Cytogenetic location: 19p13.2.
Variant type: single nucleotide variant.
Coding change: c.2603G>A on transcript NM_003331.5 (MANE Select); coding-DNA position 2603, G replaced by A.
Protein change: p.Arg868Gln; replaces arginine 868 with glutamine.
Molecular consequence: missense variant.
Genome position (GRCh38, 1-based): chr19:10,356,582, C>T on the plus strand (G>A on the coding strand, the complement: TYK2 is on the minus strand). VCF-style: chr19-10356582-C-T. GRCh37 (hg19) VCF-style: chr19-10467258-C-T.
Other names: c.2603G>A (NM_003331.4); c.2603G>A, p.Arg868Gln (NM_001385197.1, NM_001385198.1, NM_001385203.1); c.2417G>A, p.Arg806Gln (NM_001385199.1); c.2600G>A, p.Arg867Gln (NM_001385200.1); c.2405G>A, p.Arg802Gln (NM_001385201.1); c.2519G>A, p.Arg840Gln (NM_001385202.1); c.2813G>A, p.Arg938Gln (NM_001385204.1); c.2513G>A, p.Arg838Gln (NM_001385205.1); and 2 more; short protein forms R806Q, R840Q, R862Q, R868Q, R826Q, R802Q, R838Q, R867Q.
Identifiers: ClinVar variation 1428839 (VCV001428839.6), dbSNP rs776925265, ClinGen allele CA9193004.
Genomic context (GRCh38, chr19:10,356,582, plus strand): 5'-GCCCCGTCCCACTTCCCCAGGGTCCCAGCACTGGGATGGAGCTCACTGTGGGGCTGCAGC[C>T]GGGTGAGGTCACGCAGGATGGTGCGGAATGATGGCCTCTGGGTTGGCTCATAGGTCAGAC-3'
Protein context (NP_003322.3, residues 858-878): SFRTILRDLT[Arg868Gln]LQPHNLADVL

ClinVar aggregate classification (germline): Uncertain significance. Review status: criteria provided, multiple submitters, no conflicts (2 of 4 stars). 2 submissions from 2 submitters: Uncertain significance (2). Last evaluated 2025-10-11.

Conditions:
TYK2-related disorder. Also called: TYK2-related condition.
Immunodeficiency 35 (IMD35). Also called: HIES WITH ATYPICAL MYCOBACTERIOSIS, AUTOSOMAL RECESSIVE; HYPER-IgE SYNDROME WITH ATYPICAL MYCOBACTERIOSIS, AUTOSOMAL RECESSIVE; TYK2 DEFICIENCY; Susceptibility to infection due to TYK2 deficiency. Identifiers: Orphanet 331226, MedGen C1969086, MONDO:0012682, OMIM 611521.

Allele frequency attached by ClinVar (database versions not stated): gnomAD 0.00001; ExAC 0.00002; gnomAD exomes 0.00002; TOPMed 0.00003.
gnomAD v4.1: 16 of 1,613,204 alleles (0.00099%); highest among the groups gnomAD compares: South Asian, 0.0033%; no homozygotes.

Submissions (2):

PreventionGenetics, part of Exact Sciences
Classification: Uncertain significance for TYK2-related condition. Last evaluated: 2025-10-11. Review status: criteria provided, single submitter. Criteria: ACMG Guidelines, 2015. Collection method: clinical testing. Allele origin: germline.
Comment: The TYK2 c.2603G>A variant is predicted to result in the amino acid substitution p.Arg868Gln. To our knowledge, this variant has not been reported in the literature. This variant is reported in 0.0035% of alleles in individuals of European (Non-Finnish) descent in gnomAD. At this time, the clinical significance of this variant is uncertain due to the absence of conclusive functional and genetic evidence.

Labcorp Genetics (formerly Invitae), Labcorp
Classification: Uncertain significance for Immunodeficiency 35. Last evaluated: 2022-09-23. Review status: criteria provided, single submitter. Criteria: Invitae Variant Classification Sherloc (09022015). Collection method: clinical testing. Allele origin: germline.
Comment: This sequence change replaces arginine, which is basic and polar, with glutamine, which is neutral and polar, at codon 868 of the TYK2 protein (p.Arg868Gln). This variant is present in population databases (rs776925265, gnomAD 0.004%). This variant has not been reported in the literature in individuals affected with TYK2-related conditions. ClinVar contains an entry for this variant (Variation ID: 1428839). Advanced modeling of protein sequence and biophysical properties (such as structural, functional, and spatial information, amino acid conservation, physicochemical variation, residue mobility, and thermodynamic stability) performed at Invitae indicates that this missense variant is not expected to disrupt TYK2 protein function. Algorithms developed to predict the effect of sequence changes on RNA splicing suggest that this variant may create or strengthen a splice site. In summary, the available evidence is currently insufficient to determine the role of this variant in disease. Therefore, it has been classified as a Variant of Uncertain Significance.